The following is an entry in ClinVar:

NM_001551.3(IGBP1):c.718G>C (p.Val240Leu)

Gene: IGBP1 (immunoglobulin binding protein 1; plus strand). Cytogenetic location: Xq13.1.
Variant type: single nucleotide variant.
Coding change: c.718G>C on transcript NM_001551.3 (MANE Select); coding-DNA position 718, G replaced by C.
Protein change: p.Val240Leu; replaces valine 240 with leucine.
Molecular consequence: missense variant. On other transcripts: intron variant (1).
Genome position (GRCh38, 1-based): chrX:70,148,800, G>C. VCF-style: chrX-70148800-G-C. GRCh37 (hg19) VCF-style: chrX-69368650-G-C.
Other names: c.718G>C, p.Val240Leu (NM_001370192.1, NM_001370193.1); c.483-1410G>C (NM_001370194.1); short protein forms V240L.
Identifiers: ClinVar variation 2636981 (VCV002636981.1), dbSNP rs376859259, ClinGen allele CA10439519.

ClinVar aggregate classification (germline): Uncertain significance (1 of 4 stars; one submission).

Conditions:
IGBP1-related disorder. Also called: IGBP1-related condition.

Allele frequency attached by ClinVar (database versions not stated): ExAC 0.00001; gnomAD 0.00001; gnomAD exomes 0.00001; TOPMed 0.00002; ESP Exome Variant Server 0.00019.
gnomAD v4.1: 10 of 1,205,857 alleles (0.00083%); highest among the groups gnomAD compares: Non-Finnish European, 0.0011%; no homozygotes.

Submission:

PreventionGenetics, part of Exact Sciences
Classification: Uncertain significance for IGBP1-related condition. Last evaluated: 2022-09-19. Review status: criteria provided, single submitter. Criteria: ACMG Guidelines, 2015. Collection method: clinical testing. Allele origin: germline.
Comment: The IGBP1 c.718G>C variant is predicted to result in the amino acid substitution p.Val240Leu. To our knowledge, this variant has not been reported in the literature. This variant is reported in 0.0012% of alleles in individuals of European (Non-Finnish) descent in gnomAD. At this time, the clinical significance of this variant is uncertain due to the absence of conclusive functional and genetic evidence.